The following is an entry in ClinVar:

ClinVar aggregate classification (germline): Conflicting classifications of pathogenicity. Review status: criteria provided, conflicting classifications (1 of 4 stars). 5 submissions from 5 submitters: Uncertain significance (4); Likely benign (1). Last evaluated 2026-02-02.

Conditions:
Hereditary cancer-predisposing syndrome. Also called: Tumor predisposition; Hereditary Cancer Syndrome; Neoplastic Syndromes, Hereditary; Hereditary neoplastic syndrome. Identifiers: Orphanet 140162, MedGen C0027672, MeSH D009386, MONDO:0015356.
Hereditary breast ovarian cancer syndrome. Also called: BRCA1- and BRCA2-Associated Hereditary Breast and Ovarian Cancer; Hereditary breast and ovarian cancer syndrome; Hereditary breast and ovarian cancer; Hereditary breast and ovarian cancer syndrome (HBOC); Hereditary breast and/or ovarian cancer syndrome; Breast and ovarian cancer. Identifiers: Orphanet 145, MedGen C0677776, MeSH D061325, MONDO:0003582. Disease mechanism: loss of function.

Allele frequency attached by ClinVar (database versions not stated): gnomAD exomes below 0.00001 and 0.00001; TOPMed below 0.00001.
gnomAD v4.1: 2 of 1,613,452 alleles (0.00012%); highest among the groups gnomAD compares: Admixed American, 0.0033%; no homozygotes.

Submissions (5):

Labcorp Genetics (formerly Invitae), Labcorp
Classification: Uncertain significance for Hereditary breast ovarian cancer syndrome. Last evaluated: 2026-02-02. Review status: criteria provided, single submitter. Criteria: Invitae Variant Classification Sherloc (09022015). Collection method: clinical testing. Allele origin: germline.
Comment: This sequence change replaces glutamic acid, which is acidic and polar, with aspartic acid, which is acidic and polar, at codon 1213 of the BRCA2 protein (p.Glu1213Asp). This variant is present in population databases (no rsID available, gnomAD 0.006%). This variant has not been reported in the literature in individuals affected with BRCA2-related conditions. ClinVar contains an entry for this variant (Variation ID: 619804). Invitae Evidence Modeling of protein sequence and biophysical properties (such as structural, functional, and spatial information, amino acid conservation, physicochemical variation, residue mobility, and thermodynamic stability) indicates that this missense variant is not expected to disrupt BRCA2 protein function with a negative predictive value of 95%. In summary, the available evidence is currently insufficient to determine the role of this variant in disease. Therefore, it has been classified as a Variant of Uncertain Significance.

Color Diagnostics, LLC DBA Color Health
Classification: Uncertain significance for Hereditary cancer-predisposing syndrome. Last evaluated: 2025-07-30. Review status: criteria provided, single submitter. Criteria: ACMG Guidelines, 2015. Collection method: clinical testing. Allele origin: germline.
Comment: This missense variant replaces glutamic acid with aspartic acid at codon 1213 of the BRCA2 protein. Computational prediction is inconclusive regarding the impact of this variant on protein structure and function. To our knowledge, functional studies have not been reported for this variant. This variant has not been reported in individuals affected with BRCA2-related disorders in the literature. This variant has been identified in 2/250712 chromosomes in the general population by the Genome Aggregation Database (gnomAD). The available evidence is insufficient to determine the role of this variant in disease conclusively. Therefore, this variant is classified as a Variant of Uncertain Significance.

University of Washington Department of Laboratory Medicine, University of Washington
Classification: Likely benign for Hereditary cancer-predisposing syndrome. Last evaluated: 2023-03-23. Review status: criteria provided, single submitter. Criteria: Dines et al. (Genet Med. 2020). Collection method: curation. Allele origin: germline.
Comment: Missense variant in a coldspot region where missense variants are very unlikely to be pathogenic (PMID:31911673).

BRCA2 exon 11 coldspot. Reclassification based on statistical prior probability.

Quest Diagnostics Nichols Institute San Juan Capistrano
Classification: Uncertain significance. Last evaluated: 2023-01-17. Review status: criteria provided, single submitter. Criteria: Quest Diagnostics criteria. Collection method: clinical testing. Allele origin: unknown.
Comment: The variant has not been reported in the published literature. The frequency of this variant in the general population, 0.000008 (2/250712 chromosomes), is uninformative in assessment of its pathogenicity. Analysis of this variant using bioinformatics tools for the prediction of the effect of amino acid changes on protein structure and function yielded predictions that this variant is benign. Based on the available information, we are unable to determine the clinical significance of this variant.

Ambry Genetics
Classification: Uncertain significance for Hereditary cancer-predisposing syndrome. Last evaluated: 2016-08-25. Review status: criteria provided, single submitter. Criteria: Ambry Variant Classification Scheme 2023. Collection method: clinical testing. Allele origin: germline.
Comment: The p.E1213D variant (also known as c.3639A>T), located in coding exon 10 of the BRCA2 gene, results from an A to T substitution at nucleotide position 3639. The glutamic acid at codon 1213 is replaced by aspartic acid, an amino acid with highly similar properties. This variant was not reported in population based cohorts in the following databases: Database of Single Nucleotide Polymorphisms (dbSNP), NHLBI Exome Sequencing Project (ESP), and 1000 Genomes Project. In the ESP, this variant was not observed in 6503 samples (13006 alleles) with coverage at this position. To date, this alteration has been detected with an allele frequency of approximately 0.0003% (greater than 300000 alleles tested) in our clinical cohort. This amino acid position is not well conserved in available vertebrate species. In addition, the in silico prediction for this alteration is inconclusive. Since supporting evidence is limited at this time, the clinical significance of this alteration remains unclear.

NM_000059.4(BRCA2):c.3639A>T (p.Glu1213Asp)

Gene: BRCA2 (BRCA2 DNA repair associated; plus strand). Cytogenetic location: 13q13.1.
Variant type: single nucleotide variant.
Coding change: c.3639A>T on transcript NM_000059.4 (MANE Select); coding-DNA position 3639, A replaced by T.
Protein change: p.Glu1213Asp; replaces glutamic acid 1213 with aspartic acid.
Molecular consequence: missense variant.
Genome position (GRCh38, 1-based): chr13:32,337,994, A>T. VCF-style: chr13-32337994-A-T. GRCh37 (hg19) VCF-style: chr13-32912131-A-T.
Other names: short protein forms E1213D.
Identifiers: ClinVar variation 619804 (VCV000619804.16), dbSNP rs1303026901, ClinGen allele CA387777931.